The following is an entry in ClinVar:

NM_000391.4(TPP1):c.1043C>A (p.Ala348Asp)

Gene: TPP1 (tripeptidyl peptidase 1; minus strand). Cytogenetic location: 11p15.4.
Variant type: single nucleotide variant.
Coding change: c.1043C>A on transcript NM_000391.4 (MANE Select); coding-DNA position 1043, C replaced by A.
Protein change: p.Ala348Asp; replaces alanine 348 with aspartic acid.
Molecular consequence: missense variant.
Genome position (GRCh38, 1-based): chr11:6,616,347, G>T on the plus strand (C>A on the coding strand, the complement: TPP1 is on the minus strand). VCF-style: chr11-6616347-G-T. GRCh37 (hg19) VCF-style: chr11-6637578-G-T.
Other names: short protein forms A348D.
Identifiers: ClinVar variation 1365156 (VCV001365156.8), dbSNP rs370144405, ClinGen allele CA5858788.

ClinVar aggregate classification (germline): Uncertain significance. Review status: criteria provided, multiple submitters, no conflicts (2 of 4 stars). 2 submissions from 2 submitters: Uncertain significance (2). Last evaluated 2025-12-21.

Allele frequency attached by ClinVar (database versions not stated): gnomAD exomes below 0.00001 and 0.00001; ExAC 0.00002; TOPMed 0.00003; ESP Exome Variant Server 0.00008.
gnomAD v4.1: 6 of 1,613,468 alleles (0.00037%); highest among the groups gnomAD compares: African/African-American, 0.0067%; no homozygotes.

Submissions (2):

Labcorp Genetics (formerly Invitae), Labcorp
Classification: Uncertain significance. Last evaluated: 2025-12-21. Review status: criteria provided, single submitter. Criteria: Invitae Variant Classification Sherloc (09022015). Collection method: clinical testing. Allele origin: germline.
Comment: This sequence change replaces alanine, which is neutral and non-polar, with aspartic acid, which is acidic and polar, at codon 348 of the TPP1 protein (p.Ala348Asp). This variant is present in population databases (rs370144405, gnomAD 0.02%). This variant has not been reported in the literature in individuals affected with TPP1-related conditions. ClinVar contains an entry for this variant (Variation ID: 1365156). Invitae Evidence Modeling of protein sequence and biophysical properties (such as structural, functional, and spatial information, amino acid conservation, physicochemical variation, residue mobility, and thermodynamic stability) indicates that this missense variant is expected to disrupt TPP1 protein function with a positive predictive value of 95%. In summary, the available evidence is currently insufficient to determine the role of this variant in disease. Therefore, it has been classified as a Variant of Uncertain Significance.

Blueprint Genetics
Classification: Uncertain significance. Last evaluated: 2023-11-10. Review status: criteria provided, single submitter. Criteria: ACMG Guidelines, 2015. Collection method: clinical testing. Allele origin: germline.